The following is an entry in ClinVar:

NM_152383.5(DIS3L2):c.1447C>T (p.Arg483Trp)

Gene: DIS3L2 (DIS3 like 3'-5' exoribonuclease 2; plus strand). Cytogenetic location: 2q37.1.
Variant type: single nucleotide variant.
Coding change: c.1447C>T on transcript NM_152383.5 (MANE Select); coding-DNA position 1447, C replaced by T.
Protein change: p.Arg483Trp; replaces arginine 483 with tryptophan.
Molecular consequence: missense variant. On other transcripts: non-coding transcript variant (2).
Genome position (GRCh38, 1-based): chr2:232,263,228, C>T. VCF-style: chr2-232263228-C-T. GRCh37 (hg19) VCF-style: chr2-233127938-C-T.
Other names: c.1447C>T, p.Arg483Trp (NM_001257281.2); short protein forms R483W.
Identifiers: ClinVar variation 644052 (VCV000644052.8), dbSNP rs186865544, ClinGen allele CA2164161.
Genomic context (GRCh38, chr2:232,263,228, plus strand): 5'-TGTCCTCACAATTCCCTTGTAATCTGTCCATCTTTGCAGATCCTTGATGAATGGTTTGGC[C>T]GGACCATCATCCGCTCCTGCACCAAACTTAGCTACGAGCATGCACAGAGCATGATTGAAA-3'
Protein context (NP_689596.4, residues 473-493): EGKILDEWFG[Arg483Trp]TIIRSCTKLS

ClinVar aggregate classification (germline): Uncertain significance (1 of 4 stars; one submission).

Conditions:
Perlman syndrome (PRLMNS). Identifiers: Orphanet 2849, MedGen C0796113, MONDO:0009965, OMIM 267000.

Allele frequency attached by ClinVar (database versions not stated): TOPMed 0.00001.
gnomAD v4.1: 17 of 1,614,148 alleles (0.0011%); highest among the groups gnomAD compares: Admixed American, 0.01%; no homozygotes.

Submission:

Labcorp Genetics (formerly Invitae), Labcorp
Classification: Uncertain significance for Perlman syndrome. Last evaluated: 2024-04-29. Review status: criteria provided, single submitter. Criteria: Invitae Variant Classification Sherloc (09022015). Collection method: clinical testing. Allele origin: germline.
Comment: This sequence change replaces arginine, which is basic and polar, with tryptophan, which is neutral and slightly polar, at codon 483 of the DIS3L2 protein (p.Arg483Trp). This variant is present in population databases (rs186865544, gnomAD 0.02%). This variant has not been reported in the literature in individuals affected with DIS3L2-related conditions. ClinVar contains an entry for this variant (Variation ID: 644052). Advanced modeling of protein sequence and biophysical properties (such as structural, functional, and spatial information, amino acid conservation, physicochemical variation, residue mobility, and thermodynamic stability) performed at Invitae indicates that this missense variant is expected to disrupt DIS3L2 protein function with a positive predictive value of 80%. In summary, the available evidence is currently insufficient to determine the role of this variant in disease. Therefore, it has been classified as a Variant of Uncertain Significance.